The following is an entry in ClinVar:

ClinVar aggregate classification (germline): Uncertain significance (1 of 4 stars; one submission).

Allele frequency attached by ClinVar (database versions not stated): gnomAD exomes 0.00001 and 0.00002; ExAC 0.00002; gnomAD 0.00002; TOPMed 0.00003; ESP Exome Variant Server 0.00008.
gnomAD v4.1: 16 of 1,611,476 alleles (0.00099%); highest among the groups gnomAD compares: Non-Finnish European, 0.0014%; no homozygotes.

Submission:

Labcorp Genetics (formerly Invitae), Labcorp
Classification: Uncertain significance. Last evaluated: 2022-08-31. Review status: criteria provided, single submitter. Criteria: Invitae Variant Classification Sherloc (09022015). Collection method: clinical testing. Allele origin: germline.
Comment: This sequence change replaces glycine, which is neutral and non-polar, with arginine, which is basic and polar, at codon 610 of the GALNT3 protein (p.Gly610Arg). The frequency data for this variant in the population databases is considered unreliable, as metrics indicate poor data quality at this position in the gnomAD database. This variant has not been reported in the literature in individuals affected with GALNT3-related conditions. ClinVar contains an entry for this variant (Variation ID: 1352858). Algorithms developed to predict the effect of missense changes on protein structure and function (SIFT, PolyPhen-2, Align-GVGD) all suggest that this variant is likely to be tolerated. Algorithms developed to predict the effect of sequence changes on RNA splicing suggest that this variant may disrupt the consensus splice site. In summary, the available evidence is currently insufficient to determine the role of this variant in disease. Therefore, it has been classified as a Variant of Uncertain Significance.

NM_004482.4(GALNT3):c.1828G>A (p.Gly610Arg)

Gene: GALNT3 (polypeptide N-acetylgalactosaminyltransferase 3; minus strand). Cytogenetic location: 2q24.3.
Variant type: single nucleotide variant.
Coding change: c.1828G>A on transcript NM_004482.4 (MANE Select); coding-DNA position 1828, G replaced by A.
Protein change: p.Gly610Arg; replaces glycine 610 with arginine.
Molecular consequence: missense variant.
Genome position (GRCh38, 1-based): chr2:165,748,855, C>T on the plus strand (G>A on the coding strand, the complement: GALNT3 is on the minus strand). VCF-style: chr2-165748855-C-T. GRCh37 (hg19) VCF-style: chr2-166605365-C-T.
Other names: short protein forms G610R.
Identifiers: ClinVar variation 1352858 (VCV001352858.3), dbSNP rs375108704, ClinGen allele CA1940830.